The following is an entry in ClinVar:

ClinVar aggregate classification (germline): Likely pathogenic (1 of 4 stars; one submission).

Submission:

Labcorp Genetics (formerly Invitae), Labcorp
Classification: Likely pathogenic. Last evaluated: 2022-03-17. Review status: criteria provided, single submitter. Criteria: Invitae Variant Classification Sherloc (09022015). Collection method: clinical testing. Allele origin: germline.
Comment: This sequence change replaces alanine, which is neutral and non-polar, with threonine, which is neutral and polar, at codon 806 of the NPHS1 protein (p.Ala806Thr). This variant is not present in population databases (gnomAD no frequency). This variant has not been reported in the literature in individuals affected with NPHS1-related conditions. Advanced modeling of protein sequence and biophysical properties (such as structural, functional, and spatial information, amino acid conservation, physicochemical variation, residue mobility, and thermodynamic stability) performed at Invitae indicates that this missense variant is expected to disrupt NPHS1 protein function. This variant disrupts the p.Ala806 amino acid residue in NPHS1. Other variant(s) that disrupt this residue have been determined to be pathogenic (PMID: 9915943, 20507940, 21415313, 24742477). This suggests that this residue is clinically significant, and that variants that disrupt this residue are likely to be disease-causing. In summary, the currently available evidence indicates that the variant is pathogenic, but additional data are needed to prove that conclusively. Therefore, this variant has been classified as Likely Pathogenic.

Literature cited by the submitters: PubMed 9915943; PubMed 20507940; PubMed 21415313; PubMed 24742477.

NM_004646.4(NPHS1):c.2416G>A (p.Ala806Thr)

Gene: NPHS1 (NPHS1 adhesion molecule, nephrin; minus strand). Cytogenetic location: 19q13.12.
Variant type: single nucleotide variant.
Coding change: c.2416G>A on transcript NM_004646.4 (MANE Select); coding-DNA position 2416, G replaced by A.
Protein change: p.Ala806Thr; replaces alanine 806 with threonine.
Molecular consequence: missense variant.
Genome position (GRCh38, 1-based): chr19:35,842,469, C>T on the plus strand (G>A on the coding strand, the complement: NPHS1 is on the minus strand). VCF-style: chr19-35842469-C-T. GRCh37 (hg19) VCF-style: chr19-36333371-C-T.
Other names: short protein forms A806T.
Identifiers: ClinVar variation 1477778 (VCV001477778.6), dbSNP rs2146819794, ClinGen allele CA405393371.